The following is an entry in ClinVar:

NM_006031.6(PCNT):c.3801G>C (p.Val1267=)

Gene: PCNT (pericentrin; plus strand). Cytogenetic location: 21q22.3.
Variant type: single nucleotide variant.
Coding change: c.3801G>C on transcript NM_006031.6 (MANE Select); coding-DNA position 3801, G replaced by C.
Protein change: p.Val1267=; no amino-acid change (valine 1267 retained).
Molecular consequence: synonymous variant.
Genome position (GRCh38, 1-based): chr21:46,389,392, G>C. VCF-style: chr21-46389392-G-C. GRCh37 (hg19) VCF-style: chr21-47809307-G-C.
Other names: c.3447G>C, p.Val1149= (NM_001315529.2).
Identifiers: ClinVar variation 3035901 (VCV003035901.2), dbSNP rs2518529824, ClinGen allele CA513173755.

ClinVar aggregate classification (germline): Likely benign (0 of 4 stars; one submission).

Conditions:
PCNT-related disorder. Also called: PCNT-related condition.

Submission:

PreventionGenetics, part of Exact Sciences
Classification: Likely benign for PCNT-related condition. Last evaluated: 2023-07-31. Review status: no assertion criteria provided. Collection method: clinical testing. Allele origin: germline.
Comment: This variant is classified as likely benign based on ACMG/AMP sequence variant interpretation guidelines (Richards et al. 2015 PMID: 25741868, with internal and published modifications).